The following is an entry in ClinVar:

ClinVar aggregate classification (germline): Conflicting classifications of pathogenicity. Review status: criteria provided, conflicting classifications (1 of 4 stars). 8 submissions from 8 submitters: Uncertain significance (5); Likely benign (1). 2 of the submissions do not count toward it. Last evaluated 2025-07-18.

Conditions:
Familial thoracic aortic aneurysm and aortic dissection (TAAD). Also called: Thoracic aortic aneurysms and dissections. Identifiers: Orphanet 91387, MedGen C4707243, MONDO:0019625.
Shprintzen-Goldberg syndrome (SGS). Also called: SHPRINTZEN-GOLDBERG CRANIOSYNOSTOSIS SYNDROME; CRANIOSYNOSTOSIS WITH ARACHNODACTYLY AND ABDOMINAL HERNIAS; Marfanoid disorder with craniosynostosis type 1; Marfanoid craniosynostosis syndrome; Shprintzen-Goldberg marfanoid syndrome. Identifiers: Orphanet 2462, MedGen C1321551, MONDO:0008426, OMIM 182212.

Allele frequency attached by ClinVar (database versions not stated): gnomAD 0.00001 and 0.00002; ESP Exome Variant Server 0.00008; gnomAD exomes 0.00005 and 0.00004; TOPMed 0.00001; ExAC 0.00008.
gnomAD v4.1: 55 of 1,569,230 alleles (0.0035%); highest among the groups gnomAD compares: Middle Eastern, 0.033%; no homozygotes.

Submissions (8):

Labcorp Genetics (formerly Invitae), Labcorp
Classification: Likely benign for Shprintzen-Goldberg syndrome. Last evaluated: 2025-07-18. Review status: criteria provided, single submitter. Criteria: Invitae Variant Classification Sherloc (09022015). Collection method: clinical testing. Allele origin: germline.

GeneDx
Classification: Uncertain significance. Last evaluated: 2024-02-27. Review status: criteria provided, single submitter. Criteria: GeneDx Variant Classification Process June 2021. Collection method: clinical testing. Allele origin: germline. Affected: yes.
Comment: Reported in an individual with Hodgkin lymphoma and an SKI-related phenotype (Bravo Gomez et al., (2021)); In silico analysis supports that this missense variant does not alter protein structure/function; This variant is associated with the following publications: (PMID: BravoGomez2021[abstract])

Ambry Genetics
Classification: Uncertain significance for Familial thoracic aortic aneurysm and aortic dissection. Last evaluated: 2024-01-16. Review status: criteria provided, single submitter. Criteria: Ambry Variant Classification Scheme 2023. Collection method: clinical testing. Allele origin: germline.
Comment: The p.A579T variant (also known as c.1735G>A), located in coding exon 5 of the SKI gene, results from a G to A substitution at nucleotide position 1735. The alanine at codon 579 is replaced by threonine, an amino acid with similar properties. This amino acid position is conserved. In addition, the in silico prediction for this alteration is inconclusive. Since supporting evidence is limited at this time, the clinical significance of this alteration remains unclear.

Center for Genomics, Ann and Robert H. Lurie Children's Hospital of Chicago
Classification: Uncertain significance for Shprintzen-Goldberg syndrome. Last evaluated: 2021-03-30. Review status: criteria provided, single submitter. Criteria: ACMG Guidelines, 2015. Collection method: clinical testing. Allele origin: germline.
Comment: SKI NM_003036.3 exon 5 p.Ala579Thr (c.1735G>A): This variant has not been reported in the literature and is present in 0.01% (3/27314) of Latino alleles in the Genome Aggregation Database. Evolutionary conservation and computational predictive tools for this variant are unclear. In summary, data on this variant is insufficient for disease classification. Therefore, the clinical significance of this variant is uncertain.

Victorian Clinical Genetics Services, Murdoch Childrens Research Institute
Classification: Uncertain significance for Shprintzen-Goldberg syndrome. Last evaluated: 2020-05-25. Review status: criteria provided, single submitter. Criteria: ACMG Guidelines, 2015. Collection method: clinical testing. Allele origin: germline. Inheritance: Autosomal dominant inheritance.
Comment: Based on the classification scheme VCGS_Germline_v1.1.1, this variant is classified as 3B-VUS. Following criteria are met: 0102 - Loss-of-function is a known mechanism of disease for this gene. (N) 0107 - This gene is known to be associated with autosomal dominant disease. (N) 0200 - Variant is predicted to result in a missense amino acid change from an alanine to a threonine (exon 5). (N) 0251 - Variant is heterozygous. (N) 0302 - Variant is present in gnomAD <0.001 for a dominant condition (9 heterozygotes, 0 homozygotes). (P) 0309 - An alternative amino acid change at the same position has been observed in gnomAD (2 heterozygotes, 0 homozygotes). (N) 0502 - Missense variant with conflicting in silico predictions and/or uninformative conservation. (N) 0600 - Variant is located in an annotated domain or motif (coiled-coil region; PDB). (N) 0705 - No comparable variants have previous evidence for pathogenicity. (N) 0804 - Variant has previously been described as variant of uncertain significance in multiple independent cases (ClinVar, LOVD). (N) 0905 - No segregation evidence has been identified for this variant. (N) 1007 - No published functional evidence has been identified for this variant. (N) 1208 - Inheritance information for this variant is not currently available. (N) Legend: (P) - Pathogenic, (N) - Neutral, (B) - Benign

Centre for Mendelian Genomics, University Medical Centre Ljubljana
Classification: Uncertain significance for Shprintzen-Goldberg syndrome. Last evaluated: 2020-01-20. Review status: criteria provided, single submitter. Criteria: ACMG Guidelines, 2015. Collection method: clinical testing. Allele origin: unknown. Affected: yes.
Comment: This variant was classified as: Uncertain significance. The available evidence on this variant's pathogenicity is insufficient or conflicting. The following ACMG criteria were applied in classifying this variant: BP4.

Clinical Genetics DNA and cytogenetics Diagnostics Lab, Erasmus MC, Erasmus Medical Center
Classification: Uncertain significance. Review status: no assertion criteria provided. Collection method: clinical testing. Allele origin: germline. Affected: yes. Study: VKGL Data-share Consensus. Not counted in ClinVar's aggregate classification.

Genome Diagnostics Laboratory, University Medical Center Utrecht
Classification: Uncertain significance. Review status: no assertion criteria provided. Collection method: clinical testing. Allele origin: germline. Affected: yes. Study: VKGL Data-share Consensus. Not counted in ClinVar's aggregate classification.

NM_003036.4(SKI):c.1735G>A (p.Ala579Thr)

Gene: SKI (SKI proto-oncogene; plus strand). Cytogenetic location: 1p36.32.
Variant type: single nucleotide variant.
Coding change: c.1735G>A on transcript NM_003036.4 (MANE Select); coding-DNA position 1735, G replaced by A.
Protein change: p.Ala579Thr; replaces alanine 579 with threonine.
Molecular consequence: missense variant.
Genome position (GRCh38, 1-based): chr1:2,304,553, G>A. VCF-style: chr1-2304553-G-A. GRCh37 (hg19) VCF-style: chr1-2235992-G-A.
Other names: short protein forms A579T.
Identifiers: ClinVar variation 626168 (VCV000626168.20), dbSNP rs370558210, ClinGen allele CA536775.
Genomic context (GRCh38, chr1:2,304,553, plus strand): 5'-AAAGAGAAGTTCCTGCATGAGGTGGTCAAGATGCGCGTGAAGCAGGAGGAGAAGCTCAGC[G>A]CAGCCCTGCAGGCCAAGCGCAGCCTCCACCAGGTGAGCGGGGCGAGTGGTGCTGGGAGGT-3'
Protein context (NP_003027.1, residues 569-589): MRVKQEEKLS[Ala579Thr]ALQAKRSLHQ